The following is an entry in ClinVar:

ClinVar aggregate classification (germline): Likely pathogenic (1 of 4 stars; one submission).

Conditions:
Orofacial cleft 6, susceptibility to (OFC6). Also called: CLEFT LIP WITH OR WITHOUT CLEFT PALATE, NONSYNDROMIC, 6. Identifiers: MedGen C1837213, MONDO:0012141, OMIM 608864.
Popliteal pterygium syndrome (PPS). Identifiers: Orphanet 294963, MedGen C0265259, MONDO:0017435.
Van der Woude syndrome. Identifiers: Orphanet 888, MedGen C0175697, MONDO:0019508.

Submission:

Labcorp Genetics (formerly Invitae), Labcorp
Classification: Likely pathogenic for Orofacial cleft 6, susceptibility to; Van der Woude syndrome; Popliteal pterygium syndrome. Last evaluated: 2025-04-15. Review status: criteria provided, single submitter. Criteria: Invitae Variant Classification Sherloc (09022015). Collection method: clinical testing. Allele origin: germline.
Comment: This sequence change replaces valine, which is neutral and non-polar, with aspartic acid, which is acidic and polar, at codon 394 of the IRF6 protein (p.Val394Asp). This variant is not present in population databases (gnomAD no frequency). This missense change has been observed in individual(s) with clinical features of Van der Woude syndrome (internal data). In at least one individual the variant was observed to be de novo. An algorithm developed to predict the effect of missense changes on protein structure and function (PolyPhen-2) suggests that this variant is likely to be disruptive. In summary, the currently available evidence indicates that the variant is pathogenic, but additional data are needed to prove that conclusively. Therefore, this variant has been classified as Likely Pathogenic.

NM_006147.4(IRF6):c.1181T>A (p.Val394Asp)

Gene: IRF6 (interferon regulatory factor 6; minus strand). Cytogenetic location: 1q32.2.
Variant type: single nucleotide variant.
Coding change: c.1181T>A on transcript NM_006147.4 (MANE Select); coding-DNA position 1181, T replaced by A.
Protein change: p.Val394Asp; replaces valine 394 with aspartic acid.
Molecular consequence: missense variant.
Genome position (GRCh38, 1-based): chr1:209,788,643, A>T on the plus strand (T>A on the coding strand, the complement: IRF6 is on the minus strand). VCF-style: chr1-209788643-A-T. GRCh37 (hg19) VCF-style: chr1-209961988-A-T.
Other names: c.896T>A, p.Val299Asp (NM_001206696.2); short protein forms V299D, V394D.
Identifiers: ClinVar variation 4784595 (VCV004784595.1).